The following is an entry in ClinVar:

NM_032833.5(PPP1R15B):c.532C>T (p.Gln178Ter)

Gene: PPP1R15B (protein phosphatase 1 regulatory subunit 15B; minus strand). Cytogenetic location: 1q32.1.
Variant type: single nucleotide variant.
Coding change: c.532C>T on transcript NM_032833.5 (MANE Select); coding-DNA position 532, C replaced by T.
Protein change: p.Gln178Ter; replaces glutamine 178 with a stop codon.
Molecular consequence: nonsense.
Genome position (GRCh38, 1-based): chr1:204,410,880, G>A on the plus strand (C>T on the coding strand, the complement: PPP1R15B is on the minus strand). VCF-style: chr1-204410880-G-A. GRCh37 (hg19) VCF-style: chr1-204380008-G-A.
Other names: short protein forms Q178*.
Identifiers: ClinVar variation 4755866 (VCV004755866.1).

ClinVar aggregate classification (germline): Uncertain significance (1 of 4 stars; one submission).

gnomAD v4.1: 1 of 1,614,154 alleles (0.000062%); no homozygotes.

Submission:

GeneDx
Classification: Uncertain significance. Last evaluated: 2025-08-05. Review status: criteria provided, single submitter. Criteria: GeneDx Variant Classification Process June 2021. Collection method: clinical testing. Allele origin: germline. Affected: yes.
Comment: Not observed at significant frequency in large population cohorts (gnomAD); Nonsense variant predicted to result in protein truncation or nonsense mediated decay in a gene or region of a gene for which loss of function is not a well-established mechanism of disease; Has not been previously published as pathogenic or benign to our knowledge